The following is an entry in ClinVar:

NM_002439.5(MSH3):c.522T>A (p.Leu174=)

Gene: MSH3 (mutS homolog 3; plus strand). Cytogenetic location: 5q14.1.
Variant type: single nucleotide variant.
Coding change: c.522T>A on transcript NM_002439.5 (MANE Select); coding-DNA position 522, T replaced by A.
Protein change: p.Leu174=; no amino-acid change (leucine 174 retained).
Molecular consequence: synonymous variant.
Genome position (GRCh38, 1-based): chr5:80,665,306, T>A. VCF-style: chr5-80665306-T-A. GRCh37 (hg19) VCF-style: chr5-79961125-T-A.
Identifiers: ClinVar variation 757923 (VCV000757923.21), dbSNP rs779648151, ClinGen allele CA3327617.

ClinVar aggregate classification (germline): Likely benign. Review status: criteria provided, multiple submitters, no conflicts (2 of 4 stars). 5 submissions from 5 submitters: Likely benign (5). Last evaluated 2026-03-01.

Conditions:
Hereditary cancer-predisposing syndrome. Also called: Hereditary Cancer Syndrome; Tumor predisposition; Hereditary neoplastic syndrome; Neoplastic Syndromes, Hereditary. Identifiers: Orphanet 140162, MedGen C0027672, MeSH D009386, MONDO:0015356.

Allele frequency attached by ClinVar (database versions not stated): gnomAD 0.00001; TOPMed 0.00002; ExAC 0.00003; gnomAD exomes 0.00003.
gnomAD v4.1: 40 of 1,613,648 alleles (0.0025%); highest among the groups gnomAD compares: South Asian, 0.0011%; no homozygotes.

Submissions (5):

CeGaT Center for Human Genetics Tuebingen
Classification: Likely benign. Last evaluated: 2026-03-01. Review status: criteria provided, single submitter. Criteria: CeGaT Center For Human Genetics Tuebingen Variant Classification Criteria Version 2. Collection method: clinical testing. Allele origin: germline. Affected: yes. Observed: 1 variant allele.
Comment: MSH3: BP4, BP7

Labcorp Genetics (formerly Invitae), Labcorp
Classification: Likely benign. Last evaluated: 2026-02-04. Review status: criteria provided, single submitter. Criteria: Invitae Variant Classification Sherloc (09022015). Collection method: clinical testing. Allele origin: germline.

Blueprint Genetics
Classification: Likely benign. Last evaluated: 2024-11-08. Review status: criteria provided, single submitter. Criteria: ACMG Guidelines, 2015. Collection method: clinical testing. Allele origin: germline.

Sema4
Classification: Likely benign for Hereditary cancer-predisposing syndrome. Last evaluated: 2021-08-05. Review status: criteria provided, single submitter. Criteria: Sema4 Curation Guidelines. Collection method: curation. Allele origin: germline.

Ambry Genetics
Classification: Likely benign for Hereditary cancer-predisposing syndrome. Last evaluated: 2018-09-21. Review status: criteria provided, single submitter. Criteria: Ambry Variant Classification Scheme 2023. Collection method: clinical testing. Allele origin: germline.